The following is an entry in ClinVar:

ClinVar aggregate classification (germline): Benign. Review status: criteria provided, single submitter (1 of 4 stars). 2 submissions from 2 submitters: Benign (1). 1 of the submissions does not count toward it. Last evaluated 2018-12-31.

Conditions:
PPP1R9A-related disorder. Also called: PPP1R9A-related condition.

Allele frequency attached by ClinVar (database versions not stated): gnomAD exomes 0.00137 and 0.00271; 1000 Genomes Project 0.00060; gnomAD 0.00152 and 0.00156; ExAC 0.00139; TOPMed 0.00145; 1000 Genomes Project 30x 0.00047; ESP Exome Variant Server 0.00208.
gnomAD v4.1: 4,167 of 1,613,722 alleles (0.26%); highest among the groups gnomAD compares: Non-Finnish European, 0.33%; 9 homozygotes.

Submissions (2):

Labcorp Genetics (formerly Invitae), Labcorp
Classification: Benign. Last evaluated: 2018-12-31. Review status: criteria provided, single submitter. Criteria: Invitae Variant Classification Sherloc (09022015). Collection method: clinical testing. Allele origin: germline.

PreventionGenetics, part of Exact Sciences
Classification: Likely benign for PPP1R9A-related condition. Last evaluated: 2019-08-14. Review status: no assertion criteria provided. Collection method: clinical testing. Allele origin: germline. Not counted in ClinVar's aggregate classification.
Comment: This variant is classified as likely benign based on ACMG/AMP sequence variant interpretation guidelines (Richards et al. 2015 PMID: 25741868, with internal and published modifications).

NM_001166160.2(PPP1R9A):c.1512A>G (p.Pro504=)

Genes: PPP1R9A (protein phosphatase 1 regulatory subunit 9A; plus strand), PPP1R9A-AS1 (PPP1R9A antisense RNA 1; minus strand). Cytogenetic location: 7q21.3.
Variant type: single nucleotide variant.
Coding change: c.1512A>G on transcript NM_001166160.2 (MANE Select); coding-DNA position 1512, A replaced by G.
Protein change: p.Pro504=; no amino-acid change (proline 504 retained).
Molecular consequence: synonymous variant.
Genome position (GRCh38, 1-based): chr7:95,111,375, A>G. VCF-style: chr7-95111375-A-G. GRCh37 (hg19) VCF-style: chr7-94740687-A-G.
Other names: c.1512A>G, p.Pro504= (NM_001166161.1, NM_001166162.1, NM_001166163.1 and 1 more transcripts).
Identifiers: ClinVar variation 719439 (VCV000719439.5), dbSNP rs151099122, ClinGen allele CA4349433.